The following is an entry in ClinVar:

ClinVar aggregate classification (germline): Conflicting classifications of pathogenicity. Review status: criteria provided, conflicting classifications (1 of 4 stars). 2 submissions from 2 submitters: Uncertain significance (1); Likely benign (1). Last evaluated 2022-11-01.

Conditions:
Vitamin K-dependent clotting factors, combined deficiency of, type 1. Also called: FACTORS II, VII, IX, AND X, COMBINED DEFICIENCY OF; FAMILIAL MULTIPLE COAGULATION FACTOR DEFICIENCY III; FMFD III; GLUTAMIC ACID, DEFICIENT GAMMA-CARBOXYLATION OF; MULTIPLE COAGULATION FACTOR DEFICIENCY III; VITAMIN K-DEPENDENT COAGULATION DEFECT. Identifiers: Orphanet 98434, MedGen C1848534, MONDO:0010187, OMIM 277450.

Allele frequency attached by ClinVar (database versions not stated): 1000 Genomes Project 0.00200; TOPMed 0.00558; gnomAD 0.00573 and 0.00627.

Submissions (2):

CeGaT Center for Human Genetics Tuebingen
Classification: Likely benign. Last evaluated: 2022-11-01. Review status: criteria provided, single submitter. Criteria: CeGaT Center For Human Genetics Tuebingen Variant Classification Criteria Version 2. Collection method: clinical testing. Allele origin: germline. Affected: yes. Observed: 1 variant allele.
Comment: GGCX: BS2

Illumina Laboratory Services, Illumina
Classification: Uncertain significance for Vitamin K-dependent clotting factors, combined deficiency of, type 1. Last evaluated: 2018-01-13. Review status: criteria provided, single submitter. Criteria: ICSL Variant Classification Criteria 13 December 2019. Collection method: clinical testing. Allele origin: germline.

NM_000821.7(GGCX):c.*3770T>C

Gene: GGCX (gamma-glutamyl carboxylase; minus strand). Cytogenetic location: 2p11.2.
Variant type: single nucleotide variant.
Coding change: c.*3770T>C on transcript NM_000821.7 (MANE Select); 3770 bases downstream of the stop codon, T replaced by C.
Molecular consequence: 3 prime UTR variant.
Genome position (GRCh38, 1-based): chr2:85,546,164, A>G on the plus strand (T>C on the coding strand, the complement: GGCX is on the minus strand). VCF-style: chr2-85546164-A-G. GRCh37 (hg19) VCF-style: chr2-85773287-A-G.
Other names: c.*3770T>C (NM_001142269.4).
Identifiers: ClinVar variation 898975 (VCV000898975.28), dbSNP rs141040739, ClinGen allele CA51729044.
Genomic context (GRCh38, chr2:85,546,164, plus strand): 5'-CATGGAGACTTAAAAACTTGGAAATTTGGAGGCCAGGCGGAGTGGCCTGTAATATAGGCC[A>G]CTATATAGTAATATAGGCGTGAGCCTATAATCCTAGCACTTTGGGAGGCCAAGGCATGCA-3'